The following is an entry in ClinVar:

NM_004320.6(ATP2A1):c.1712del (p.Pro571fs)

Gene: ATP2A1 (ATPase sarcoplasmic/endoplasmic reticulum Ca2+ transporting 1; plus strand). Cytogenetic location: 16p11.2.
Variant type: Deletion.
Coding change: c.1712del on transcript NM_004320.6 (MANE Select); coding-DNA position 1712, one base deleted (C; older notation c.1712delC).
Protein change: p.Pro571fs; shifts the reading frame from proline 571.
Molecular consequence: frameshift variant.
Genome position (GRCh38, 1-based): chr16:28,898,399, C deleted; the last of 7 consecutive C bases (chr16:28,898,393-28,898,399); deleting any one gives the same sequence. VCF-style (leftmost placement, unchanged base first): chr16-28898392-AC-A. GRCh37 (hg19) VCF-style: chr16-28909713-AC-A.
Other names: c.1337del, p.Pro446fs (NM_001286075.2); c.1712del, p.Pro571fs (NM_173201.5); short protein forms P446fs, P571fs.
Identifiers: ClinVar variation 3009643 (VCV003009643.3), dbSNP rs772363145, ClinGen allele CA494874223.

ClinVar aggregate classification (germline): Pathogenic (1 of 4 stars; one submission).

Conditions:
Brody myopathy. Also called: BRODY DISEASE. Identifiers: Orphanet 53347, MedGen C1832918, MONDO:0010977, OMIM 601003.

Submission:

Labcorp Genetics (formerly Invitae), Labcorp
Classification: Pathogenic for Brody myopathy. Last evaluated: 2024-05-27. Review status: criteria provided, single submitter. Criteria: Invitae Variant Classification Sherloc (09022015). Collection method: clinical testing. Allele origin: germline.
Comment: This sequence change creates a premature translational stop signal (p.Pro571Argfs*21) in the ATP2A1 gene. It is expected to result in an absent or disrupted protein product. Loss-of-function variants in ATP2A1 are known to be pathogenic (PMID: 8841193, 10914677, 23911890). The frequency data for this variant in the population databases is considered unreliable, as metrics indicate poor data quality at this position in the gnomAD database. This variant has not been reported in the literature in individuals affected with ATP2A1-related conditions. For these reasons, this variant has been classified as Pathogenic.

Literature cited by the submitters: PubMed 8841193; PubMed 10914677; PubMed 23911890.